The following is an entry in ClinVar:

ClinVar aggregate classification (germline): Uncertain significance (1 of 4 stars; one submission).

Allele frequency attached by ClinVar (database versions not stated): gnomAD exomes below 0.00001; ExAC 0.00001; gnomAD 0.00001; TOPMed 0.00001; ESP Exome Variant Server 0.00008.
gnomAD v4.1: 4 of 1,607,122 alleles (0.00025%); highest among the groups gnomAD compares: Non-Finnish European, 0.00034%; no homozygotes.

Submission:

Labcorp Genetics (formerly Invitae), Labcorp
Classification: Uncertain significance. Last evaluated: 2022-06-08. Review status: criteria provided, single submitter. Criteria: Invitae Variant Classification Sherloc (09022015). Collection method: clinical testing. Allele origin: germline.
Comment: This variant is present in population databases (rs369128124, gnomAD 0.002%). In summary, the available evidence is currently insufficient to determine the role of this variant in disease. Therefore, it has been classified as a Variant of Uncertain Significance. Experimental studies and prediction algorithms are not available or were not evaluated, and the functional significance of this variant is currently unknown. This variant has not been reported in the literature in individuals affected with LTBP4-related conditions. This sequence change replaces glutamic acid, which is acidic and polar, with glutamine, which is neutral and polar, at codon 1337 of the LTBP4 protein (p.Glu1337Gln).

NM_001042545.2(LTBP4):c.3919G>C (p.Glu1307Gln)

Gene: LTBP4 (latent transforming growth factor beta binding protein 4; plus strand). Cytogenetic location: 19q13.2.
Variant type: single nucleotide variant.
Coding change: c.3919G>C on transcript NM_001042545.2 (MANE Select); coding-DNA position 3919, G replaced by C.
Protein change: p.Glu1307Gln; replaces glutamic acid 1307 with glutamine.
Molecular consequence: missense variant.
Genome position (GRCh38, 1-based): chr19:40,625,943, G>C. VCF-style: chr19-40625943-G-C. GRCh37 (hg19) VCF-style: chr19-41131848-G-C.
Other names: c.4120G>C, p.Glu1374Gln (NM_001042544.1); c.4009G>C, p.Glu1337Gln (NM_003573.2); short protein forms E1374Q, E1337Q, E1307Q.
Identifiers: ClinVar variation 1965000 (VCV001965000.3), dbSNP rs369128124, ClinGen allele CA9449176.